The following is an entry in ClinVar:

NM_005121.3(MED13):c.4852G>C (p.Asp1618His)

Gene: MED13 (mediator complex subunit 13; minus strand). Cytogenetic location: 17q23.2.
Variant type: single nucleotide variant.
Coding change: c.4852G>C on transcript NM_005121.3 (MANE Select); coding-DNA position 4852, G replaced by C.
Protein change: p.Asp1618His; replaces aspartic acid 1618 with histidine.
Molecular consequence: missense variant.
Genome position (GRCh38, 1-based): chr17:61,962,964, C>G on the plus strand (G>C on the coding strand, the complement: MED13 is on the minus strand). VCF-style: chr17-61962964-C-G. GRCh37 (hg19) VCF-style: chr17-60040325-C-G.
Other names: short protein forms D1618H.
Identifiers: ClinVar variation 2664797 (VCV002664797.1), dbSNP rs200976941, ClinGen allele CA8692313.

ClinVar aggregate classification (germline): Uncertain significance (1 of 4 stars; one submission).

Conditions:
Intellectual developmental disorder 61. Also called: INTELLECTUAL DEVELOPMENTAL DISORDER, AUTOSOMAL DOMINANT 61; MENTAL RETARDATION, AUTOSOMAL DOMINANT 61. Identifiers: MedGen C5231400, MONDO:0032485, OMIM 618009.

Allele frequency attached by ClinVar (database versions not stated): ExAC 0.00001; gnomAD 0.00001; gnomAD exomes 0.00001; TOPMed 0.00001.
gnomAD v4.1: 9 of 1,613,708 alleles (0.00056%); highest among the groups gnomAD compares: African/African-American, 0.0027%; no homozygotes.

Submission:

Genetics and Molecular Pathology, SA Pathology
Classification: Uncertain significance for Intellectual developmental disorder 61. Last evaluated: 2023-01-11. Review status: criteria provided, single submitter. Criteria: ACMG Guidelines, 2015. Collection method: clinical testing. Allele origin: germline. Inheritance: Autosomal dominant inheritance. Affected: yes.
Comment: The MED13 c.4852G>C variant is classified as VUS (PP3) The MED13 c.4852G>C variant is a single nucleotide change in exon 21/30 of the MED13 gene, which is predicted to change the amino acid aspartic acid at position 1618 in the protein to histidine. Computational predictions support a deleterious effect on the gene or gene product (PP3). The variant has been reported in dbSNP (rs200976941). It has not been reported in ClinVar or HGMD.